The following is an entry in ClinVar:

ClinVar aggregate classification (germline): Uncertain significance (1 of 4 stars; one submission).

Conditions:
Hereditary cancer-predisposing syndrome. Also called: Hereditary Cancer Syndrome; Hereditary neoplastic syndrome; Neoplastic Syndromes, Hereditary; Tumor predisposition. Identifiers: Orphanet 140162, MedGen C0027672, MeSH D009386, MONDO:0015356.

Submission:

Ambry Genetics
Classification: Uncertain significance for Hereditary cancer-predisposing syndrome. Last evaluated: 2021-12-15. Review status: criteria provided, single submitter. Criteria: Ambry Variant Classification Scheme 2023. Collection method: clinical testing. Allele origin: germline.
Comment: The p.F1896C variant (also known as c.5687T>G), located in coding exon 37 of the ATM gene, results from a T to G substitution at nucleotide position 5687. The phenylalanine at codon 1896 is replaced by cysteine, an amino acid with highly dissimilar properties. This amino acid position is conserved. In addition, this alteration is predicted to be tolerated by in silico analysis. Since supporting evidence is limited at this time, the clinical significance of this alteration remains unclear.

NM_000051.4(ATM):c.5687T>G (p.Phe1896Cys)

Gene: ATM (ATM serine/threonine kinase; plus strand). Cytogenetic location: 11q22.3.
Variant type: single nucleotide variant.
Coding change: c.5687T>G on transcript NM_000051.4 (MANE Select); coding-DNA position 5687, T replaced by G.
Protein change: p.Phe1896Cys; replaces phenylalanine 1896 with cysteine.
Molecular consequence: missense variant.
Genome position (GRCh38, 1-based): chr11:108,307,909, T>G. VCF-style: chr11-108307909-T-G. GRCh37 (hg19) VCF-style: chr11-108178636-T-G.
Other names: c.5687T>G, p.Phe1896Cys (NM_001351834.2); short protein forms F1896C.
Identifiers: ClinVar variation 1749054 (VCV001749054.2), dbSNP rs2547005205, ClinGen allele CA382547766.